The following is an entry in ClinVar:

NM_014053.4(FLVCR1):c.416A>G (p.Tyr139Cys)

Gene: FLVCR1 (FLVCR choline and heme transporter 1; plus strand). Cytogenetic location: 1q32.3.
Variant type: single nucleotide variant.
Coding change: c.416A>G on transcript NM_014053.4 (MANE Select); coding-DNA position 416, A replaced by G.
Protein change: p.Tyr139Cys; replaces tyrosine 139 with cysteine.
Molecular consequence: missense variant.
Genome position (GRCh38, 1-based): chr1:212,858,868, A>G. VCF-style: chr1-212858868-A-G. GRCh37 (hg19) VCF-style: chr1-213032210-A-G.
Other names: short protein forms Y139C.
Identifiers: ClinVar variation 4682290 (VCV004682290.1).
Genomic context (GRCh38, chr1:212,858,868, plus strand): 5'-TGGTCAACGCCTTTCAGTGGATCCAGTACAGCATCATTAGCAACGTCTTCGAGGGCTTCT[A>G]CGGTGTCACCTTGCTGCACATCGACTGGCTGTCCATGGTGTACATGCTGGCCTACGTGCC-3'
Protein context (NP_054772.1, residues 129-149): SIISNVFEGF[Tyr139Cys]GVTLLHIDWL

ClinVar aggregate classification (germline): Uncertain significance (1 of 4 stars; one submission).

gnomAD v4.1: 7 of 1,614,088 alleles (0.00043%); highest among the groups gnomAD compares: East Asian, 0.011%; no homozygotes.

Submission:

Athena Diagnostics
Classification: Uncertain significance. Last evaluated: 2025-10-03. Review status: criteria provided, single submitter. Criteria: Athena Diagnostics Criteria. Collection method: clinical testing. Allele origin: unknown.
Comment: Available data are insufficient to determine the clinical significance of the variant at this time. The frequency of this variant in the general population is uninformative in assessment of its pathogenicity. Polyphen and MutationTaster predict this amino acid change may be damaging to the protein.